The following is an entry in ClinVar:

ClinVar aggregate classification (germline): Pathogenic (1 of 4 stars; one submission).

Submission:

Labcorp Genetics (formerly Invitae), Labcorp
Classification: Pathogenic. Last evaluated: 2023-11-25. Review status: criteria provided, single submitter. Criteria: Invitae Variant Classification Sherloc (09022015). Collection method: clinical testing. Allele origin: germline.
Comment: This sequence change creates a premature translational stop signal (p.Thr18Lysfs*26) in the GJB2 gene. While this is not anticipated to result in nonsense mediated decay, it is expected to disrupt the last 209 amino acid(s) of the GJB2 protein. This variant is not present in population databases (gnomAD no frequency). This premature translational stop signal has been observed in individual(s) with autosomal recessive nonsyndromic deafness (PMID: 10982182). It has also been observed to segregate with disease in related individuals. ClinVar contains an entry for this variant (Variation ID: 1068780). This variant disrupts a region of the GJB2 protein in which other variant(s) (p.Arg216Ilefs*17) have been determined to be pathogenic (PMID: 11102979, 17041943, 17666888, 25288386, 28489599). This suggests that this is a clinically significant region of the protein, and that variants that disrupt it are likely to be disease-causing. For these reasons, this variant has been classified as Pathogenic.

Literature cited by the submitters: PubMed 10982182; PubMed 11102979; PubMed 17041943; PubMed 17666888; PubMed 25288386; PubMed 28489599.

NM_004004.6(GJB2):c.53_63del (p.Thr18fs)

Gene: GJB2 (gap junction protein beta 2; minus strand). Cytogenetic location: 13q12.11.
Variant type: Deletion.
Coding change: c.53_63del on transcript NM_004004.6 (MANE Select); coding-DNA positions 53 to 63, 11 bases deleted (CCAGCATTGGA).
Protein change: p.Thr18fs; shifts the reading frame from threonine 18.
Molecular consequence: frameshift variant.
Genome position (GRCh38, 1-based): chr13:20,189,519-20,189,529, TCCAATGCTGG deleted on the plus strand (CCAGCATTGGA on the coding strand, the reverse complement: GJB2 is on the minus strand); deleting any 11 consecutive bases within chr13:20,189,519-20,189,530 gives the same sequence; the c. name uses the placement nearest the transcript's 3' end. VCF-style (leftmost placement, unchanged base first): chr13-20189518-TTCCAATGCTGG-T. GRCh37 (hg19) VCF-style: chr13-20763657-TTCCAATGCTGG-T.
Other names: short protein forms T18fs.
Identifiers: ClinVar variation 1068780 (VCV001068780.9), dbSNP rs2137308791, ClinGen allele CA2499221956.